The following is an entry in ClinVar:

ClinVar aggregate classification (germline): Uncertain significance (1 of 4 stars; one submission).

Submission:

Labcorp Genetics (formerly Invitae), Labcorp
Classification: Uncertain significance. Last evaluated: 2025-09-03. Review status: criteria provided, single submitter. Criteria: Invitae Variant Classification Sherloc (09022015). Collection method: clinical testing. Allele origin: germline.
Comment: This sequence change replaces proline, which is neutral and non-polar, with leucine, which is neutral and non-polar, at codon 356 of the GCGR protein (p.Pro356Leu). This variant is not present in population databases (gnomAD no frequency). This variant has not been reported in the literature in individuals affected with GCGR-related conditions. An algorithm developed to predict the effect of missense changes on protein structure and function (PolyPhen-2) suggests that this variant is likely to be disruptive. In summary, the available evidence is currently insufficient to determine the role of this variant in disease. Therefore, it has been classified as a Variant of Uncertain Significance.

NM_000160.5(GCGR):c.1067C>T (p.Pro356Leu)

Gene: GCGR (glucagon receptor; plus strand). Cytogenetic location: 17q25.3.
Variant type: single nucleotide variant.
Coding change: c.1067C>T on transcript NM_000160.5 (MANE Select); coding-DNA position 1067, C replaced by T.
Protein change: p.Pro356Leu; replaces proline 356 with leucine.
Molecular consequence: missense variant.
Genome position (GRCh38, 1-based): chr17:81,812,836, C>T. VCF-style: chr17-81812836-C-T. GRCh37 (hg19) VCF-style: chr17-79770712-C-T.
Other names: short protein forms P356L.
Identifiers: ClinVar variation 4809784 (VCV004809784.1).